The following is an entry in ClinVar:

NM_000127.3(EXT1):c.329A>G (p.Lys110Arg)

Gene: EXT1 (exostosin glycosyltransferase 1; minus strand). Cytogenetic location: 8q24.11.
Variant type: single nucleotide variant.
Coding change: c.329A>G on transcript NM_000127.3 (MANE Select); coding-DNA position 329, A replaced by G.
Protein change: p.Lys110Arg; replaces lysine 110 with arginine.
Molecular consequence: missense variant.
Genome position (GRCh38, 1-based): chr8:118,110,718, T>C on the plus strand (A>G on the coding strand, the complement: EXT1 is on the minus strand). VCF-style: chr8-118110718-T-C. GRCh37 (hg19) VCF-style: chr8-119122957-T-C.
Other names: short protein forms K110R.
Identifiers: ClinVar variation 1427094 (VCV001427094.7), dbSNP rs1178109514, ClinGen allele CA371916092.

ClinVar aggregate classification (germline): Uncertain significance. Review status: criteria provided, multiple submitters, no conflicts (2 of 4 stars). 2 submissions from 2 submitters: Uncertain significance (2). Last evaluated 2025-08-19.

Conditions:
Chondrosarcoma. Also called: Chondrosarcoma, somatic. Identifiers: Orphanet 55880, MedGen C0008479, MONDO:0008977, OMIM 215300, HP:0006765.
Multiple congenital exostosis (EXT). Also called: Hereditary multiple osteochondromas; Hereditary multiple exostoses; Hereditary multiple exostosis; Multiple osteochondromas; Multiple exostoses; MULTIPLE CARTILAGINOUS EXOSTOSES. Identifiers: Orphanet 321, MedGen C0015306, MONDO:0005508, HP:0002762.

Allele frequency attached by ClinVar (database versions not stated): gnomAD exomes below 0.00001 and 0.00001.
gnomAD v4.1: 4 of 1,614,178 alleles (0.00025%); highest among the groups gnomAD compares: East Asian, 0.0089%; no homozygotes.

Submissions (2):

Labcorp Genetics (formerly Invitae), Labcorp
Classification: Uncertain significance for Multiple congenital exostosis. Last evaluated: 2025-08-19. Review status: criteria provided, single submitter. Criteria: Invitae Variant Classification Sherloc (09022015). Collection method: clinical testing. Allele origin: germline.
Comment: This sequence change replaces lysine, which is basic and polar, with arginine, which is basic and polar, at codon 110 of the EXT1 protein (p.Lys110Arg). This variant is present in population databases (no rsID available, gnomAD 0.006%). This variant has not been reported in the literature in individuals affected with EXT1-related conditions. ClinVar contains an entry for this variant (Variation ID: 1427094). Invitae Evidence Modeling of protein sequence and biophysical properties (such as structural, functional, and spatial information, amino acid conservation, physicochemical variation, residue mobility, and thermodynamic stability) indicates that this missense variant is not expected to disrupt EXT1 protein function with a negative predictive value of 80%. In summary, the available evidence is currently insufficient to determine the role of this variant in disease. Therefore, it has been classified as a Variant of Uncertain Significance.

Baylor Genetics
Classification: Uncertain significance for Chondrosarcoma. Last evaluated: 2023-09-08. Review status: criteria provided, single submitter. Criteria: ACMG Guidelines, 2015. Collection method: clinical testing. Allele origin: unknown.